The following is an entry in ClinVar:

ClinVar aggregate classification (germline): Uncertain significance (1 of 4 stars; one submission).

Allele frequency attached by ClinVar (database versions not stated): TOPMed 0.00001; gnomAD exomes 0.00002; ExAC 0.00004; gnomAD 0.00004; 1000 Genomes Project 30x 0.00016; 1000 Genomes Project 0.00020.
gnomAD v4.1: 40 of 1,614,182 alleles (0.0025%); highest among the groups gnomAD compares: South Asian, 0.04%; no homozygotes.

Submission:

Ambry Genetics
Classification: Uncertain significance. Last evaluated: 2022-09-10. Review status: criteria provided, single submitter. Criteria: Ambry Variant Classification Scheme 2023. Collection method: clinical testing. Allele origin: germline.
Comment: The p.N628D variant (also known as c.1882A>G), located in coding exon 9 of the PALLD gene, results from an A to G substitution at nucleotide position 1882. The asparagine at codon 628 is replaced by aspartic acid, an amino acid with highly similar properties. This amino acid position is conserved. In addition, this alteration is predicted to be tolerated by in silico analysis. Since supporting evidence is limited at this time, the clinical significance of this alteration remains unclear.

NM_001166108.2(PALLD):c.1882A>G (p.Asn628Asp)

Gene: PALLD (palladin, cytoskeletal associated protein; plus strand). Cytogenetic location: 4q32.3.
Variant type: single nucleotide variant.
Coding change: c.1882A>G on transcript NM_001166108.2 (MANE Select); coding-DNA position 1882, A replaced by G.
Protein change: p.Asn628Asp; replaces asparagine 628 with aspartic acid.
Molecular consequence: missense variant.
Genome position (GRCh38, 1-based): chr4:168,711,841, A>G. VCF-style: chr4-168711841-A-G. GRCh37 (hg19) VCF-style: chr4-169632992-A-G.
Other names: c.736A>G, p.Asn246Asp (NM_001166109.2); c.1882A>G, p.Asn628Asp (NM_016081.4); short protein forms N628D, N246D.
Identifiers: ClinVar variation 1781912 (VCV001781912.2), dbSNP rs534111510, ClinGen allele CA3135740.